The following is an entry in ClinVar:

NM_000057.4(BLM):c.17A>G (p.Gln6Arg)

Gene: BLM (BLM RecQ like helicase; plus strand). Cytogenetic location: 15q26.1.
Variant type: single nucleotide variant.
Coding change: c.17A>G on transcript NM_000057.4 (MANE Select); coding-DNA position 17, A replaced by G.
Protein change: p.Gln6Arg; replaces glutamine 6 with arginine.
Molecular consequence: missense variant. On other transcripts: 5 prime UTR variant (1).
Genome position (GRCh38, 1-based): chr15:90,747,409, A>G. VCF-style: chr15-90747409-A-G. GRCh37 (hg19) VCF-style: chr15-91290639-A-G.
Other names: c.17A>G, p.Gln6Arg (NM_001287246.2, NM_001287247.2); c.-1275A>G (NM_001287248.2); short protein forms Q6R.
Identifiers: ClinVar variation 4733864 (VCV004733864.1).
Genomic context (GRCh38, chr15:90,747,409, plus strand): 5'-GTACCTAACTCCACTGATTTCTTTTTCCCTCACTTTTTAGGATTATGGCTGCTGTTCCTC[A>G]AAATAATCTACAGGAGCAACTAGAACGTCACTCAGCCAGAACACTTAATAATAAATTAAG-3'
Protein context (NP_000048.1, residues 1-16): MAAVP[Gln6Arg]NNLQEQLERH

ClinVar aggregate classification (germline): Uncertain significance (1 of 4 stars; one submission).

Conditions:
Bloom syndrome (BLM). Also called: Bloom-Torre-Machacek syndrome. Identifiers: Orphanet 125, MedGen C0005859, MONDO:0008876, OMIM 210900.

Submission:

Labcorp Genetics (formerly Invitae), Labcorp
Classification: Uncertain significance for Bloom syndrome. Last evaluated: 2025-12-22. Review status: criteria provided, single submitter. Criteria: Invitae Variant Classification Sherloc (09022015). Collection method: clinical testing. Allele origin: germline.
Comment: This sequence change replaces glutamine, which is neutral and polar, with arginine, which is basic and polar, at codon 6 of the BLM protein (p.Gln6Arg). This variant is not present in population databases (gnomAD no frequency). This variant has not been reported in the literature in individuals affected with BLM-related conditions. An algorithm developed to predict the effect of missense changes on protein structure and function (PolyPhen-2) suggests that this variant is likely to be tolerated. In summary, the available evidence is currently insufficient to determine the role of this variant in disease. Therefore, it has been classified as a Variant of Uncertain Significance.